The following is an entry in ClinVar:

NM_005506.4(SCARB2):c.854A>G (p.Glu285Gly)

Gene: SCARB2 (scavenger receptor class B member 2; minus strand). Cytogenetic location: 4q21.1.
Variant type: single nucleotide variant.
Coding change: c.854A>G on transcript NM_005506.4 (MANE Select); coding-DNA position 854, A replaced by G.
Protein change: p.Glu285Gly; replaces glutamic acid 285 with glycine.
Molecular consequence: missense variant.
Genome position (GRCh38, 1-based): chr4:76,174,284, T>C on the plus strand (A>G on the coding strand, the complement: SCARB2 is on the minus strand). VCF-style: chr4-76174284-T-C. GRCh37 (hg19) VCF-style: chr4-77095437-T-C.
Other names: c.425A>G, p.Glu142Gly (NM_001204255.2); short protein forms E142G, E285G.
Identifiers: ClinVar variation 1898812 (VCV001898812.4), dbSNP rs746122570, ClinGen allele CA2970237.

ClinVar aggregate classification (germline): Uncertain significance. Review status: criteria provided, multiple submitters, no conflicts (2 of 4 stars). 2 submissions from 2 submitters: Uncertain significance (2). Last evaluated 2024-01-14.

Conditions:
Action myoclonus-renal failure syndrome. Also called: SCARB2-Related Action Myoclonus-Renal Failure Syndrome; MYOCLONUS-NEPHROPATHY SYNDROME; EPILEPSY, PROGRESSIVE MYOCLONIC, 4, WITH RENAL FAILURE; EPILEPSY, PROGRESSIVE MYOCLONIC, 4, WITHOUT RENAL FAILURE. Identifiers: Orphanet 163696, MedGen C0751779, MeSH D020191, MONDO:0009699, OMIM 254900.
Progressive myoclonic epilepsy. Also called: Familial progressive myoclonic epilepsy; Progressive myoclonus epilepsy; Myoclonus epilepsy; Myoclonic Epilepsies, Progressive. Identifiers: Orphanet 308, Orphanet 98261, MedGen C0751778, MONDO:0020074.

Allele frequency attached by ClinVar (database versions not stated): gnomAD exomes below 0.00001; ExAC 0.00001.

Submissions (2):

Fulgent Genetics
Classification: Uncertain significance for Action myoclonus-renal failure syndrome. Last evaluated: 2024-01-14. Review status: criteria provided, single submitter. Criteria: ACMG Guidelines, 2015. Collection method: clinical testing. Allele origin: germline.

Labcorp Genetics (formerly Invitae), Labcorp
Classification: Uncertain significance for Progressive myoclonic epilepsy. Last evaluated: 2023-07-17. Review status: criteria provided, single submitter. Criteria: Invitae Variant Classification Sherloc (09022015). Collection method: clinical testing. Allele origin: germline.
Comment: Advanced modeling of protein sequence and biophysical properties (such as structural, functional, and spatial information, amino acid conservation, physicochemical variation, residue mobility, and thermodynamic stability) performed at Invitae indicates that this missense variant is not expected to disrupt SCARB2 protein function. This sequence change replaces glutamic acid, which is acidic and polar, with glycine, which is neutral and non-polar, at codon 285 of the SCARB2 protein (p.Glu285Gly). This variant is present in population databases (rs746122570, gnomAD 0.009%). This variant has not been reported in the literature in individuals affected with SCARB2-related conditions. ClinVar contains an entry for this variant (Variation ID: 1898812). In summary, the available evidence is currently insufficient to determine the role of this variant in disease. Therefore, it has been classified as a Variant of Uncertain Significance.